The following is an entry in ClinVar:

ClinVar aggregate classification (germline): Benign. Review status: criteria provided, multiple submitters, no conflicts (2 of 4 stars). 5 submissions from 5 submitters: Benign (4). 1 of the submissions does not count toward it. Last evaluated 2026-02-03.

Conditions:
TCF3-related disorder. Also called: TCF3-related condition.

Allele frequency attached by ClinVar (database versions not stated): gnomAD exomes 0.00347; gnomAD 0.01455 and 0.01552; ExAC 0.01456; 1000 Genomes Project 0.01657; TOPMed 0.01679; ESP Exome Variant Server 0.01737; 1000 Genomes Project 30x 0.01843.
gnomAD v4.1: 4,058 of 1,515,540 alleles (0.27%); highest among the groups gnomAD compares: African/African-American, 5.1%; 100 homozygotes.

Submissions (5):

Labcorp Genetics (formerly Invitae), Labcorp
Classification: Benign. Last evaluated: 2026-02-03. Review status: criteria provided, single submitter. Criteria: Invitae Variant Classification Sherloc (09022015). Collection method: clinical testing. Allele origin: germline.

Women's Health and Genetics/Laboratory Corporation of America, LabCorp
Classification: Benign. Last evaluated: 2026-01-22. Review status: criteria provided, single submitter. Criteria: LabCorp Variant Classification Summary - May 2015. Collection method: clinical testing. Allele origin: germline.

ARUP Laboratories, Molecular Genetics and Genomics, ARUP Laboratories
Classification: Benign. Last evaluated: 2023-11-06. Review status: criteria provided, single submitter. Criteria: ARUP Molecular Germline Variant Investigation Process 2024. Collection method: clinical testing. Allele origin: germline.

Breakthrough Genomics
Classification: Benign. Review status: criteria provided, single submitter. Criteria: ACMG Guidelines, 2015. Collection method: not provided. Allele origin: germline. Inheritance: Autosomal recessive inheritance. Affected: yes.

PreventionGenetics, part of Exact Sciences
Classification: Likely benign for TCF3-related condition. Last evaluated: 2020-02-07. Review status: no assertion criteria provided. Collection method: clinical testing. Allele origin: germline. Not counted in ClinVar's aggregate classification.
Comment: This variant is classified as likely benign based on ACMG/AMP sequence variant interpretation guidelines (Richards et al. 2015 PMID: 25741868, with internal and published modifications).

NM_003200.5(TCF3):c.1062T>C (p.Ser354=)

Gene: TCF3 (transcription factor 3; minus strand). Cytogenetic location: 19p13.3.
Variant type: single nucleotide variant.
Coding change: c.1062T>C on transcript NM_003200.5 (MANE Select); coding-DNA position 1062, T replaced by C.
Protein change: p.Ser354=; no amino-acid change (serine 354 retained).
Molecular consequence: synonymous variant.
Genome position (GRCh38, 1-based): chr19:1,620,999, A>G on the plus strand (T>C on the coding strand, the complement: TCF3 is on the minus strand). VCF-style: chr19-1620999-A-G. GRCh37 (hg19) VCF-style: chr19-1620998-A-G.
Other names: c.1062T>C, p.Ser354= (NM_001136139.4, NM_001351778.2, NM_001351779.2); c.1062T>C (NM_003200.3).
Identifiers: ClinVar variation 993761 (VCV000993761.24), dbSNP rs11882821, ClinGen allele CA9050087.